The following is an entry in ClinVar:

NM_001378414.1(HDAC4):c.1984G>A (p.Val662Met)

Gene: HDAC4 (histone deacetylase 4; minus strand). Cytogenetic location: 2q37.3.
Variant type: single nucleotide variant.
Coding change: c.1984G>A on transcript NM_001378414.1 (MANE Select); coding-DNA position 1984, G replaced by A.
Protein change: p.Val662Met; replaces valine 662 with methionine.
Molecular consequence: missense variant.
Genome position (GRCh38, 1-based): chr2:239,108,178, C>T on the plus strand (G>A on the coding strand, the complement: HDAC4 is on the minus strand). VCF-style: chr2-239108178-C-T. GRCh37 (hg19) VCF-style: chr2-240029874-C-T.
Other names: c.1984G>A, p.Val662Met (NM_001378415.1); c.1969G>A, p.Val657Met (NM_001378416.1, NM_001378417.1, NM_006037.4); short protein forms V657M, V662M.
Identifiers: ClinVar variation 932056 (VCV000932056.6), dbSNP rs775850924, ClinGen allele CA2199600.
Genomic context (GRCh38, chr2:239,108,178, plus strand): 5'-CGGGGTGGCTGCTGCTACTCCCGCAGGTGCACTGGTGCTTCAGCATCAGCGTGTCATACA[C>T]GAGGCCTGGGGCGGGGCAGAGGGGCCAAGATCAGCGCACATCCAGGGGCGAGCCGACCAC-3'
Protein context (NP_001365343.1, residues 652-672): PTKPRFTTGL[Val662Met]YDTLMLKHQC

ClinVar aggregate classification (germline): Uncertain significance. Review status: criteria provided, multiple submitters, no conflicts (2 of 4 stars). 2 submissions from 2 submitters: Uncertain significance (2). Last evaluated 2024-02-23.

Allele frequency attached by ClinVar (database versions not stated): gnomAD 0.00001; ExAC 0.00002; gnomAD exomes 0.00003; TOPMed 0.00003.
gnomAD v4.1: 43 of 1,600,802 alleles (0.0027%); highest among the groups gnomAD compares: East Asian, 0.025%; no homozygotes.

Submissions (2):

Labcorp Genetics (formerly Invitae), Labcorp
Classification: Uncertain significance. Last evaluated: 2024-02-23. Review status: criteria provided, single submitter. Criteria: Invitae Variant Classification Sherloc (09022015). Collection method: clinical testing. Allele origin: germline.
Comment: This sequence change replaces valine, which is neutral and non-polar, with methionine, which is neutral and non-polar, at codon 657 of the HDAC4 protein (p.Val657Met). This variant is present in population databases (rs775850924, gnomAD 0.01%). This variant has not been reported in the literature in individuals affected with HDAC4-related conditions. ClinVar contains an entry for this variant (Variation ID: 932056). Advanced modeling of protein sequence and biophysical properties (such as structural, functional, and spatial information, amino acid conservation, physicochemical variation, residue mobility, and thermodynamic stability) performed at Invitae indicates that this missense variant is expected to disrupt HDAC4 protein function with a positive predictive value of 80%. In summary, the available evidence is currently insufficient to determine the role of this variant in disease. Therefore, it has been classified as a Variant of Uncertain Significance.

Centre for Mendelian Genomics, University Medical Centre Ljubljana
Classification: Uncertain significance. Last evaluated: 2019-02-22. Review status: criteria provided, single submitter. Criteria: ACMG Guidelines, 2015. Collection method: clinical testing. Allele origin: unknown. Affected: yes.
Comment: This variant was classified as: Uncertain significance. The available evidence on this variant's pathogenicity is insufficient or conflicting. The following ACMG criteria were applied in classifying this variant: PP3.